The following is an entry in ClinVar:

ClinVar aggregate classification (germline): Benign/Likely benign. Review status: criteria provided, multiple submitters, no conflicts (2 of 4 stars). 7 submissions from 7 submitters: Benign (6); Likely benign (1). Last evaluated 2026-02-01.

Conditions:
Cardiomyopathy (CMYO). Also called: Cardiomyopathies. Identifiers: Orphanet 167848, MedGen C0878544, MONDO:0004994, HP:0001638. Inheritance: Various modes of inheritance.
Hypertrophic cardiomyopathy 1 (CMH1). Also called: MYH7-Related Familial Hypertrophic Cardiomyopathy; Familial hypertrophic cardiomyopathy 1. Identifiers: MedGen C3495498, MONDO:0008647, OMIM 192600.

Allele frequency attached by ClinVar (database versions not stated): 1000 Genomes Project 0.00499; 1000 Genomes Project 30x 0.00500; TOPMed 0.01039; ExAC 0.01074; gnomAD 0.01142 and 0.01201; gnomAD exomes 0.01145 and 0.01537; ESP Exome Variant Server 0.01415.
gnomAD v4.1: 24,085 of 1,613,986 alleles (1.5%); highest among the groups gnomAD compares: Non-Finnish European, 1.7%; 222 homozygotes.

Submissions (7):

Labcorp Genetics (formerly Invitae), Labcorp
Classification: Benign for Hypertrophic cardiomyopathy 1. Last evaluated: 2026-02-01. Review status: criteria provided, single submitter. Criteria: Invitae Variant Classification Sherloc (09022015). Collection method: clinical testing. Allele origin: germline.

ARUP Laboratories, Molecular Genetics and Genomics, ARUP Laboratories
Classification: Benign for Hypertrophic cardiomyopathy 1. Last evaluated: 2023-10-09. Review status: criteria provided, single submitter. Criteria: ARUP Molecular Germline Variant Investigation Process 2024. Collection method: clinical testing. Allele origin: germline.

Ambry Genetics
Classification: Likely benign. Last evaluated: 2022-05-17. Review status: criteria provided, single submitter. Criteria: Ambry Variant Classification Scheme 2023. Collection method: clinical testing. Allele origin: germline.

CHEO Genetics Diagnostic Laboratory, Children's Hospital of Eastern Ontario
Classification: Benign for Cardiomyopathy. Last evaluated: 2019-03-22. Review status: criteria provided, single submitter. Criteria: ACMG Guidelines, 2015. Collection method: clinical testing. Allele origin: germline.

GeneDx
Classification: Benign. Last evaluated: 2014-03-07. Review status: criteria provided, single submitter. Criteria: GeneDx Variant Classification (06012015). Collection method: clinical testing. Allele origin: germline. Affected: yes.
Comment: This variant is considered likely benign or benign based on one or more of the following criteria: it is a conservative change, it occurs at a poorly conserved position in the protein, it is predicted to be benign by multiple in silico algorithms, and/or has population frequency not consistent with disease.

Laboratory for Molecular Medicine, Mass General Brigham Personalized Medicine
Classification: Benign. Last evaluated: 2011-09-16. Review status: criteria provided, single submitter. Criteria: LMM Criteria. Collection method: clinical testing. Allele origin: germline. Observed: 49 variant alleles.

Breakthrough Genomics
Classification: Benign. Review status: criteria provided, single submitter. Criteria: ACMG Guidelines, 2015. Collection method: not provided. Allele origin: germline. Inheritance: Autosomal dominant inheritance. Affected: yes.

NM_033118.4(MYLK2):c.1068C>T (p.Val356=)

Gene: MYLK2 (myosin light chain kinase 2; plus strand). Cytogenetic location: 20q11.21.
Variant type: single nucleotide variant.
Coding change: c.1068C>T on transcript NM_033118.4 (MANE Select); coding-DNA position 1068, C replaced by T.
Protein change: p.Val356=; no amino-acid change (valine 356 retained).
Molecular consequence: synonymous variant.
Genome position (GRCh38, 1-based): chr20:31,826,700, C>T. VCF-style: chr20-31826700-C-T. GRCh37 (hg19) VCF-style: chr20-30414503-C-T.
Other names: p.V356V:GTC>GTT.
Identifiers: ClinVar variation 46517 (VCV000046517.27), dbSNP rs17340492, ClinGen allele CA138507.